The following is an entry in ClinVar:

NM_001365480.1(CCDC88A):c.2996C>T (p.Thr999Ile)

Gene: CCDC88A (coiled-coil and HOOK domain protein 88A; minus strand). Cytogenetic location: 2p16.1.
Variant type: single nucleotide variant.
Coding change: c.2996C>T on transcript NM_001365480.1 (MANE Select); coding-DNA position 2996, C replaced by T.
Protein change: p.Thr999Ile; replaces threonine 999 with isoleucine.
Molecular consequence: missense variant.
Genome position (GRCh38, 1-based): chr2:55,328,295, G>A on the plus strand (C>T on the coding strand, the complement: CCDC88A is on the minus strand). VCF-style: chr2-55328295-G-A. GRCh37 (hg19) VCF-style: chr2-55555431-G-A.
Other names: c.2993C>T, p.Thr998Ile (NM_001135597.2, NM_001254943.2); c.2996C>T, p.Thr999Ile (NM_018084.5); short protein forms T998I, T999I.
Identifiers: ClinVar variation 1714361 (VCV001714361.5), dbSNP rs2544815587, ClinGen allele CA346895648.

ClinVar aggregate classification (germline): Uncertain significance (1 of 4 stars; one submission).

gnomAD v4.1: 1 of 1,577,604 alleles (0.000063%); highest among the groups gnomAD compares: Non-Finnish European, 0.000086%; no homozygotes.

Submission:

Labcorp Genetics (formerly Invitae), Labcorp
Classification: Uncertain significance. Last evaluated: 2022-11-23. Review status: criteria provided, single submitter. Criteria: Invitae Variant Classification Sherloc (09022015). Collection method: clinical testing. Allele origin: germline.
Comment: This sequence change replaces threonine, which is neutral and polar, with isoleucine, which is neutral and non-polar, at codon 998 of the CCDC88A protein (p.Thr998Ile). This variant is not present in population databases (gnomAD no frequency). This variant has not been reported in the literature in individuals affected with CCDC88A-related conditions. Algorithms developed to predict the effect of missense changes on protein structure and function are either unavailable or do not agree on the potential impact of this missense change (SIFT: "Deleterious"; PolyPhen-2: "Benign"; Align-GVGD: "Class C0"). In summary, the available evidence is currently insufficient to determine the role of this variant in disease. Therefore, it has been classified as a Variant of Uncertain Significance.